The following is an entry in ClinVar:

NM_024675.4(PALB2):c.3214_3216dup (p.Ile1072_Val1073insIle)

Gene: PALB2 (partner and localizer of BRCA2; minus strand). Cytogenetic location: 16p12.2.
Variant type: Duplication.
Coding change: c.3214_3216dup on transcript NM_024675.4 (MANE Select); coding-DNA positions 3214 to 3216, 3 bases duplicated (ATT; older notation c.3214_3216dupATT).
Protein change: p.Ile1072_Val1073insIle.
Molecular consequence: inframe indel (on NM_024675.3). On other transcripts: intron variant (8).
Genome position (GRCh38, 1-based): chr16:23,607,998-23,608,000, AAT duplicated on the plus strand (ATT on the coding strand, the reverse complement: PALB2 is on the minus strand); duplicating any 3 consecutive bases within chr16:23,607,998-23,608,002 gives the same sequence; the c. name uses the placement nearest the transcript's 3' end. VCF-style (leftmost placement, unchanged base first): chr16-23607997-C-CAAT. GRCh37 (hg19) VCF-style: chr16-23619318-C-CAAT.
Other names: c.3214_3216dupATT (NM_024675.3); c.3154_3156dup, p.Ile1052_Val1053insIle (NM_001407296.1); c.3142_3144dup, p.Ile1048_Val1049insIle (NM_001407297.1); c.3052_3054dup, p.Ile1018_Val1019insIle (NM_001407298.1); c.2935_2937dup, p.Ile979_Val980insIle (NM_001407300.1); c.2329_2331dup, p.Ile777_Val778insIle (NM_001407304.1, NM_001407305.1, NM_001407306.1); c.2167_2169dup, p.Ile723_Val724insIle (NM_001407307.1); c.1426_1428dup, p.Ile476_Val477insIle (NM_001407312.1); and 7 more.
Identifiers: ClinVar variation 4056218 (VCV004056218.2).

ClinVar aggregate classification (germline): Uncertain significance. Review status: criteria provided, multiple submitters, no conflicts (2 of 4 stars). 2 submissions from 2 submitters: Uncertain significance (2). Last evaluated 2026-02-25.

Conditions:
Hereditary cancer-predisposing syndrome. Also called: Neoplastic Syndromes, Hereditary; Tumor predisposition; Hereditary neoplastic syndrome; Hereditary Cancer Syndrome. Identifiers: Orphanet 140162, MedGen C0027672, MeSH D009386, MONDO:0015356.
Familial cancer of breast. Also called: BREAST CANCER, FAMILIAL; Hereditary breast cancer; hereditary breast carcinoma. Identifiers: Orphanet 227535, MedGen C0346153, MONDO:0016419, OMIM 114480. Disease mechanism: loss of function.

Submissions (2):

Ambry Genetics
Classification: Uncertain significance for Hereditary cancer-predisposing syndrome. Last evaluated: 2026-02-25. Review status: criteria provided, single submitter. Criteria: Ambry Variant Classification Scheme 2023. Collection method: clinical testing. Allele origin: germline.
Comment: The c.3214_3216dupATT variant (also known as p.I1072dup), located in coding exon 12 of the PALB2 gene, results from an in-frame duplication of ATT at nucleotide positions 3214 to 3216. This results in the duplication of an extra residue between codons 1072 and 1073. This amino acid region is not well conserved in available vertebrate species. In addition, this variant is predicted to be deleterious by in silico analysis (Choi Y et al. PLoS ONE. 2012; 7(10):e46688). Based on the available evidence, the clinical significance of this variant remains unclear.

Molecular Pathology, Peter Maccallum Cancer Centre
Classification: Uncertain significance for Familial cancer of breast. Last evaluated: 2025-04-02. Review status: criteria provided, single submitter. Criteria: ACMG Guidelines, 2015. Collection method: clinical testing. Allele origin: germline. Inheritance: Autosomal dominant inheritance.